The following is an entry in ClinVar:

ClinVar aggregate classification (germline): Uncertain significance (1 of 4 stars; one submission).

Allele frequency attached by ClinVar (database versions not stated): gnomAD exomes below 0.00001; gnomAD 0.00001; TOPMed 0.00001.
gnomAD v4.1: 2 of 1,611,552 alleles (0.00012%); highest among the groups gnomAD compares: East Asian, 0.0022%; no homozygotes.

Submission:

Labcorp Genetics (formerly Invitae), Labcorp
Classification: Uncertain significance. Last evaluated: 2025-02-27. Review status: criteria provided, single submitter. Criteria: Invitae Variant Classification Sherloc (09022015). Collection method: clinical testing. Allele origin: germline.
Comment: This sequence change replaces alanine, which is neutral and non-polar, with valine, which is neutral and non-polar, at codon 544 of the TCF3 protein (p.Ala544Val). This variant is present in population databases (no rsID available, gnomAD 0.007%). This variant has not been reported in the literature in individuals affected with TCF3-related conditions. ClinVar contains an entry for this variant (Variation ID: 1401760). Invitae Evidence Modeling of protein sequence and biophysical properties (such as structural, functional, and spatial information, amino acid conservation, physicochemical variation, residue mobility, and thermodynamic stability) indicates that this missense variant is not expected to disrupt TCF3 protein function with a negative predictive value of 80%. In summary, the available evidence is currently insufficient to determine the role of this variant in disease. Therefore, it has been classified as a Variant of Uncertain Significance.

NM_003200.5(TCF3):c.1631C>T (p.Ala544Val)

Gene: TCF3 (transcription factor 3; minus strand). Cytogenetic location: 19p13.3.
Variant type: single nucleotide variant.
Coding change: c.1631C>T on transcript NM_003200.5 (MANE Select); coding-DNA position 1631, C replaced by T.
Protein change: p.Ala544Val; replaces alanine 544 with valine.
Molecular consequence: missense variant. On other transcripts: intron variant (2).
Genome position (GRCh38, 1-based): chr19:1,615,476, G>A on the plus strand (C>T on the coding strand, the complement: TCF3 is on the minus strand). VCF-style: chr19-1615476-G-A. GRCh37 (hg19) VCF-style: chr19-1615475-G-A.
Other names: c.1628C>T, p.Ala543Val (NM_001351778.2); c.1586+210C>T (NM_001136139.4, NM_001351779.2); short protein forms A543V, A544V.
Identifiers: ClinVar variation 1401760 (VCV001401760.6), dbSNP rs1159035943, ClinGen allele CA403050852.